The following is an entry in ClinVar:

ClinVar aggregate classification (germline): Uncertain significance (1 of 4 stars; one submission).

Conditions:
Periodic fever-infantile enterocolitis-autoinflammatory syndrome. Also called: Autoinflammation with infantile enterocolitis. Identifiers: Orphanet 436166, MedGen C4015067, MONDO:0014472, OMIM 616050.
Familial cold autoinflammatory syndrome 4 (FCAS4). Identifiers: Orphanet 47045, Orphanet 576349, MedGen C4015276, MONDO:0014498, OMIM 616115.

Allele frequency attached by ClinVar (database versions not stated): gnomAD exomes below 0.00001.
gnomAD v4.1: 1 of 1,610,170 alleles (0.000062%); highest among the groups gnomAD compares: Non-Finnish European, 0.000085%; no homozygotes.

Submission:

Labcorp Genetics (formerly Invitae), Labcorp
Classification: Uncertain significance for Periodic fever-infantile enterocolitis-autoinflammatory syndrome; Familial cold autoinflammatory syndrome 4. Last evaluated: 2023-10-29. Review status: criteria provided, single submitter. Criteria: Invitae Variant Classification Sherloc (09022015). Collection method: clinical testing. Allele origin: germline.
Comment: This sequence change replaces leucine, which is neutral and non-polar, with valine, which is neutral and non-polar, at codon 790 of the NLRC4 protein (p.Leu790Val). This variant is not present in population databases (gnomAD no frequency). This variant has not been reported in the literature in individuals affected with NLRC4-related conditions. ClinVar contains an entry for this variant (Variation ID: 640362). Advanced modeling of protein sequence and biophysical properties (such as structural, functional, and spatial information, amino acid conservation, physicochemical variation, residue mobility, and thermodynamic stability) performed at Invitae indicates that this missense variant is expected to disrupt NLRC4 protein function with a positive predictive value of 80%. In summary, the available evidence is currently insufficient to determine the role of this variant in disease. Therefore, it has been classified as a Variant of Uncertain Significance.

NM_001199138.2(NLRC4):c.2368C>G (p.Leu790Val)

Gene: NLRC4 (NLR family CARD domain containing 4; minus strand). Cytogenetic location: 2p22.3.
Variant type: single nucleotide variant.
Coding change: c.2368C>G on transcript NM_001199138.2 (MANE Select); coding-DNA position 2368, C replaced by G.
Protein change: p.Leu790Val; replaces leucine 790 with valine.
Molecular consequence: missense variant.
Genome position (GRCh38, 1-based): chr2:32,238,285, G>C on the plus strand (C>G on the coding strand, the complement: NLRC4 is on the minus strand). VCF-style: chr2-32238285-G-C. GRCh37 (hg19) VCF-style: chr2-32463354-G-C.
Other names: c.2368C>G, p.Leu790Val (NM_021209.5, NM_001199139.2); c.373C>G, p.Leu125Val (NM_001302504.2); short protein forms L790V, L125V.
Identifiers: ClinVar variation 640362 (VCV000640362.8), dbSNP rs1573477687, ClinGen allele CA346509660.